The following is an entry in ClinVar:

ClinVar aggregate classification (germline): Uncertain significance (1 of 4 stars; one submission).

Submission:

Dasa
Classification: Uncertain significance. Last evaluated: 2025-05-31. Review status: criteria provided, single submitter. Criteria: DASA Assertion Criteria. Collection method: clinical testing. Allele origin: germline.
Comment: NM_005618.4(DLL1):c.292G>C (p.Gly98Arg) is a missense variant that results in the substitution of glycine with arginine. This variant is absent from population databases. Computational prediction algorithms are consistent with a benign effect. The currently available literature and clinical evidence are not sufficient to establish a definitive association between this variant and the reported condition. Therefore, this variant is classified as a variant of uncertain significance.

NM_005618.4(DLL1):c.292G>C (p.Gly98Arg)

Gene: DLL1 (delta like canonical Notch ligand 1; minus strand). Cytogenetic location: 6q27.
Variant type: single nucleotide variant.
Coding change: c.292G>C on transcript NM_005618.4 (MANE Select); coding-DNA position 292, G replaced by C.
Protein change: p.Gly98Arg; replaces glycine 98 with arginine.
Molecular consequence: missense variant.
Genome position (GRCh38, 1-based): chr6:170,289,571, C>G on the plus strand (G>C on the coding strand, the complement: DLL1 is on the minus strand). VCF-style: chr6-170289571-C-G. GRCh37 (hg19) VCF-style: chr6-170598659-C-G.
Other names: short protein forms G98R.
Identifiers: ClinVar variation 4881163 (VCV004881163.2).
Genomic context (GRCh38, chr6:170,289,571, plus strand): 5'-CCGGCCAGGTGAAGCCGAAGGGGAAGCGGATGGGGTTGCTGAACGCGGAGTCGGCGCCCC[C>G]GCCGTCGGGCAGACTGAAGGAGTCGACGCCCAGCACGGGGGTGACGGCGCTGCCGTAGGT-3'
Protein context (NP_005609.3, residues 88-108): GVDSFSLPDG[Gly98Arg]GADSAFSNPI